The following is an entry in ClinVar:

NM_004656.4(BAP1):c.1319T>G (p.Leu440Arg)

Gene: BAP1 (BRCA1 associated deubiquitinase 1; minus strand). Cytogenetic location: 3p21.1.
Variant type: single nucleotide variant.
Coding change: c.1319T>G on transcript NM_004656.4 (MANE Select); coding-DNA position 1319, T replaced by G.
Protein change: p.Leu440Arg; replaces leucine 440 with arginine.
Molecular consequence: missense variant.
Genome position (GRCh38, 1-based): chr3:52,403,826, A>C on the plus strand (T>G on the coding strand, the complement: BAP1 is on the minus strand). VCF-style: chr3-52403826-A-C. GRCh37 (hg19) VCF-style: chr3-52437842-A-C.
Other names: c.1265T>G, p.Leu422Arg (NM_001410772.1); short protein forms L440R, L422R.
Identifiers: ClinVar variation 3260399 (VCV003260399.1).

ClinVar aggregate classification (germline): Uncertain significance (1 of 4 stars; one submission).

Conditions:
Hereditary cancer-predisposing syndrome. Also called: Hereditary Cancer Syndrome; Tumor predisposition; Hereditary neoplastic syndrome; Neoplastic Syndromes, Hereditary. Identifiers: Orphanet 140162, MedGen C0027672, MeSH D009386, MONDO:0015356.

Submission:

Ambry Genetics
Classification: Uncertain significance for Hereditary cancer-predisposing syndrome. Last evaluated: 2024-06-07. Review status: criteria provided, single submitter. Criteria: Ambry Variant Classification Scheme 2023. Collection method: clinical testing. Allele origin: germline.
Comment: The p.L440R variant (also known as c.1319T>G), located in coding exon 13 of the BAP1 gene, results from a T to G substitution at nucleotide position 1319. The leucine at codon 440 is replaced by arginine, an amino acid with dissimilar properties. This amino acid position is conserved. In addition, the in silico prediction for this alteration is inconclusive. Based on the available evidence, the clinical significance of this variant remains unclear.